The following is an entry in ClinVar:

ClinVar aggregate classification (germline): Uncertain significance (1 of 4 stars; one submission).

Conditions:
Inborn genetic diseases. Identifiers: MedGen C0950123, MeSH D030342.

Allele frequency attached by ClinVar (database versions not stated): gnomAD exomes below 0.00001.
gnomAD v4.1: 2 of 1,614,186 alleles (0.00012%); highest among the groups gnomAD compares: Non-Finnish European, 0.00017%; no homozygotes.

Submission:

Ambry Genetics
Classification: Uncertain significance for Inborn genetic diseases. Last evaluated: 2023-08-30. Review status: criteria provided, single submitter. Criteria: Ambry Variant Classification Scheme 2023. Collection method: clinical testing. Allele origin: germline.
Comment: The p.V599I variant (also known as c.1795G>A), located in coding exon 15 of the BUB1B gene, results from a G to A substitution at nucleotide position 1795. The valine at codon 599 is replaced by isoleucine, an amino acid with highly similar properties. This amino acid position is conserved. In addition, this alteration is predicted to be tolerated by in silico analysis. Since supporting evidence is limited at this time, the clinical significance of this alteration remains unclear.

NM_001211.6(BUB1B):c.1795G>A (p.Val599Ile)

Gene: BUB1B (BUB1 mitotic checkpoint serine/threonine kinase B; plus strand). Cytogenetic location: 15q15.1.
Variant type: single nucleotide variant.
Coding change: c.1795G>A on transcript NM_001211.6 (MANE Select); coding-DNA position 1795, G replaced by A.
Protein change: p.Val599Ile; replaces valine 599 with isoleucine.
Molecular consequence: missense variant.
Genome position (GRCh38, 1-based): chr15:40,206,244, G>A. VCF-style: chr15-40206244-G-A. GRCh37 (hg19) VCF-style: chr15-40498445-G-A.
Other names: short protein forms V599I.
Identifiers: ClinVar variation 2592497 (VCV002592497.2), dbSNP rs2542564724, ClinGen allele CA391692399.
Genomic context (GRCh38, chr15:40,206,244, plus strand): 5'-GATGAATTTACAGGAATTGAACCCTTGAGCGAGGATGCCATTATCACAGGCTTCAGAAAT[G>A]TAACAATTTGTCCTAACCCAGAAGACACTTGTGACTTTGCCAGAGCAGCTCGTTTTGTAT-3'
Protein context (NP_001202.5, residues 589-609): EDAIITGFRN[Val599Ile]TICPNPEDTC